The following is an entry in ClinVar:

NM_015450.3(POT1):c.326C>G (p.Thr109Ser)

Gene: POT1 (protection of telomeres 1; minus strand). Cytogenetic location: 7q31.33.
Variant type: single nucleotide variant.
Coding change: c.326C>G on transcript NM_015450.3 (MANE Select); coding-DNA position 326, C replaced by G.
Protein change: p.Thr109Ser; replaces threonine 109 with serine.
Molecular consequence: missense variant. On other transcripts: 5 prime UTR variant (1), non-coding transcript variant (3).
Genome position (GRCh38, 1-based): chr7:124,863,570, G>C on the plus strand (C>G on the coding strand, the complement: POT1 is on the minus strand). VCF-style: chr7-124863570-G-C. GRCh37 (hg19) VCF-style: chr7-124503624-G-C.
Other names: c.-68C>G (NM_001042594.2); short protein forms T109S.
Identifiers: ClinVar variation 3226675 (VCV003226675.1), dbSNP rs1176160693, ClinGen allele CA369060119.

ClinVar aggregate classification (germline): Uncertain significance (1 of 4 stars; one submission).

Conditions:
Hereditary cancer-predisposing syndrome. Also called: Neoplastic Syndromes, Hereditary; Tumor predisposition; Hereditary neoplastic syndrome; Hereditary Cancer Syndrome. Identifiers: Orphanet 140162, MedGen C0027672, MeSH D009386, MONDO:0015356.

Allele frequency attached by ClinVar (database versions not stated): gnomAD exomes below 0.00001.
gnomAD v4.1: 1 of 1,613,808 alleles (0.000062%); no homozygotes.

Submission:

Ambry Genetics
Classification: Uncertain significance for Hereditary cancer-predisposing syndrome. Last evaluated: 2023-11-27. Review status: criteria provided, single submitter. Criteria: Ambry Variant Classification Scheme 2023. Collection method: clinical testing. Allele origin: germline.
Comment: The p.T109S variant (also known as c.326C>G), located in coding exon 4 of the POT1 gene, results from a C to G substitution at nucleotide position 326. The threonine at codon 109 is replaced by serine, an amino acid with similar properties. This amino acid position is conserved. In addition, this alteration is predicted to be tolerated by in silico analysis. Since supporting evidence is limited at this time, the clinical significance of this alteration remains unclear.